The following is an entry in ClinVar:

NM_203447.4(DOCK8):c.3718T>G (p.Tyr1240Asp)

Gene: DOCK8 (dedicator of cytokinesis 8; plus strand). Cytogenetic location: 9p24.3.
Variant type: single nucleotide variant.
Coding change: c.3718T>G on transcript NM_203447.4 (MANE Select); coding-DNA position 3718, T replaced by G.
Protein change: p.Tyr1240Asp; replaces tyrosine 1240 with aspartic acid.
Molecular consequence: missense variant.
Genome position (GRCh38, 1-based): chr9:418,085, T>G. VCF-style: chr9-418085-T-G. GRCh37 (hg19) VCF-style: chr9-418085-T-G.
Other names: c.3418T>G, p.Tyr1140Asp (NM_001190458.2); c.3514T>G, p.Tyr1172Asp (NM_001193536.2); short protein forms Y1172D, Y1240D, Y1140D.
Identifiers: ClinVar variation 846434 (VCV000846434.7), dbSNP rs536928333, ClinGen allele CA4958805.

ClinVar aggregate classification (germline): Uncertain significance (1 of 4 stars; one submission).

Conditions:
Combined immunodeficiency due to DOCK8 deficiency (HIES2). Also called: HIES autosomal recessive; DOCK8 Deficiency; HYPER-IgE RECURRENT INFECTION SYNDROME 2, AUTOSOMAL RECESSIVE; HYPER-IgE SYNDROME 2, AUTOSOMAL RECESSIVE, WITH RECURRENT INFECTIONS; Hyper-IgE recurrent infection syndrome, autosomal recessive. Identifiers: Orphanet 217390, MedGen C4722305, MONDO:0009478, OMIM 243700.

Allele frequency attached by ClinVar (database versions not stated): gnomAD 0.00001; TOPMed 0.00001; ExAC 0.00004; gnomAD exomes 0.00004; 1000 Genomes Project 0.00020; 1000 Genomes Project 30x 0.00031.
gnomAD v4.1: 35 of 1,614,230 alleles (0.0022%); highest among the groups gnomAD compares: East Asian, 0.013%; no homozygotes.

Submission:

Labcorp Genetics (formerly Invitae), Labcorp
Classification: Uncertain significance for Combined immunodeficiency due to DOCK8 deficiency. Last evaluated: 2022-02-05. Review status: criteria provided, single submitter. Criteria: Invitae Variant Classification Sherloc (09022015). Collection method: clinical testing. Allele origin: germline.
Comment: This sequence change replaces tyrosine, which is neutral and polar, with aspartic acid, which is acidic and polar, at codon 1240 of the DOCK8 protein (p.Tyr1240Asp). This variant is present in population databases (rs536928333, gnomAD 0.03%). This variant has not been reported in the literature in individuals affected with DOCK8-related conditions. ClinVar contains an entry for this variant (Variation ID: 846434). Algorithms developed to predict the effect of missense changes on protein structure and function (SIFT, PolyPhen-2, Align-GVGD) all suggest that this variant is likely to be tolerated. In summary, the available evidence is currently insufficient to determine the role of this variant in disease. Therefore, it has been classified as a Variant of Uncertain Significance.